The following is an entry in ClinVar:

ClinVar aggregate classification (germline): Uncertain significance (1 of 4 stars; one submission).

Conditions:
Familial thoracic aortic aneurysm and aortic dissection (TAAD). Also called: Thoracic aortic aneurysms and dissections. Identifiers: Orphanet 91387, MedGen C4707243, MONDO:0019625.

Submission:

Ambry Genetics
Classification: Uncertain significance for Familial thoracic aortic aneurysm and aortic dissection. Last evaluated: 2026-03-15. Review status: criteria provided, single submitter. Criteria: Ambry Variant Classification Scheme 2023. Collection method: clinical testing. Allele origin: germline.
Comment: The p.M1050L variant (also known as c.3148A>C), located in coding exon 15 of the MYLK gene, results from an A to C substitution at nucleotide position 3148. The methionine at codon 1050 is replaced by leucine, an amino acid with highly similar properties. This amino acid position is conserved. In addition, this alteration is predicted to be tolerated by in silico analysis. Based on the available evidence, the clinical significance of this variant remains unclear.

NM_053025.4(MYLK):c.3148A>C (p.Met1050Leu)

Gene: MYLK (myosin light chain kinase; minus strand). Cytogenetic location: 3q21.1.
Variant type: single nucleotide variant.
Coding change: c.3148A>C on transcript NM_053025.4 (MANE Select); coding-DNA position 3148, A replaced by C.
Protein change: p.Met1050Leu; replaces methionine 1050 with leucine.
Molecular consequence: missense variant.
Genome position (GRCh38, 1-based): chr3:123,700,320, T>G on the plus strand (A>C on the coding strand, the complement: MYLK is on the minus strand). VCF-style: chr3-123700320-T-G. GRCh37 (hg19) VCF-style: chr3-123419167-T-G.
Other names: c.2620A>C, p.Met874Leu (NM_001321309.2); c.2941A>C, p.Met981Leu (NM_053026.4, NM_053028.4); c.3148A>C, p.Met1050Leu (NM_053027.4); short protein forms M1050L, M874L, M981L.
Identifiers: ClinVar variation 4860612 (VCV004860612.1).